The following is an entry in ClinVar:

NM_015046.7(SETX):c.4825G>T (p.Gly1609Cys)

Gene: SETX (senataxin; minus strand). Cytogenetic location: 9q34.13.
Variant type: single nucleotide variant.
Coding change: c.4825G>T on transcript NM_015046.7 (MANE Select); coding-DNA position 4825, G replaced by T.
Protein change: p.Gly1609Cys; replaces glycine 1609 with cysteine.
Molecular consequence: missense variant.
Genome position (GRCh38, 1-based): chr9:132,326,773, C>A on the plus strand (G>T on the coding strand, the complement: SETX is on the minus strand). VCF-style: chr9-132326773-C-A. GRCh37 (hg19) VCF-style: chr9-135202160-C-A.
Other names: c.4825G>T, p.Gly1609Cys (NM_001351527.2, NM_001351528.2); short protein forms G1609C.
Identifiers: ClinVar variation 4789249 (VCV004789249.1).

ClinVar aggregate classification (germline): Uncertain significance (1 of 4 stars; one submission).

Conditions:
Spinocerebellar ataxia, autosomal recessive, with axonal neuropathy 2 (SCAN2). Also called: ATAXIA-OCULOMOTOR APRAXIA 2; Ataxia with Oculomotor Apraxia; Ataxia-ocular apraxia-2; Ataxia with Oculomotor Apraxia Type 2. Identifiers: Orphanet 64753, MedGen C1853761, MONDO:0018996, OMIM 606002.
Amyotrophic lateral sclerosis type 4 (ALS4). Also called: AMYOTROPHIC LATERAL SCLEROSIS 4, JUVENILE; NEURONOPATHY, DISTAL HEREDITARY MOTOR, WITH PYRAMIDAL FEATURES. Identifiers: Orphanet 357043, MedGen C1865409, MONDO:0011223, OMIM 602433.

Submission:

Labcorp Genetics (formerly Invitae), Labcorp
Classification: Uncertain significance for Amyotrophic lateral sclerosis type 4; Spinocerebellar ataxia, autosomal recessive, with axonal neuropathy 2. Last evaluated: 2025-10-08. Review status: criteria provided, single submitter. Criteria: Invitae Variant Classification Sherloc (09022015). Collection method: clinical testing. Allele origin: germline.
Comment: This sequence change replaces glycine, which is neutral and non-polar, with cysteine, which is neutral and slightly polar, at codon 1609 of the SETX protein (p.Gly1609Cys). This variant is not present in population databases (gnomAD no frequency). This variant has not been reported in the literature in individuals affected with SETX-related conditions. Invitae Evidence Modeling of protein sequence and biophysical properties (such as structural, functional, and spatial information, amino acid conservation, physicochemical variation, residue mobility, and thermodynamic stability) indicates that this missense variant is not expected to disrupt SETX protein function with a negative predictive value of 95%. In summary, the available evidence is currently insufficient to determine the role of this variant in disease. Therefore, it has been classified as a Variant of Uncertain Significance.